The following is an entry in ClinVar:

NM_006254.4(PRKCD):c.22G>A (p.Ala8Thr)

Gene: PRKCD (protein kinase C delta; plus strand). Cytogenetic location: 3p21.1.
Variant type: single nucleotide variant.
Coding change: c.22G>A on transcript NM_006254.4 (MANE Select); coding-DNA position 22, G replaced by A.
Protein change: p.Ala8Thr; replaces alanine 8 with threonine.
Molecular consequence: missense variant.
Genome position (GRCh38, 1-based): chr3:53,178,444, G>A. VCF-style: chr3-53178444-G-A. GRCh37 (hg19) VCF-style: chr3-53212460-G-A.
Other names: c.22G>A, p.Ala8Thr (NM_001316327.2, NM_001354679.2, NM_001354680.2 and 2 more transcripts); c.79G>A, p.Ala27Thr (NM_001354676.2); c.70G>A, p.Ala24Thr (NM_001354678.2); short protein forms A8T, A27T, A24T.
Identifiers: ClinVar variation 571838 (VCV000571838.4), dbSNP rs368029897, ClinGen allele CA2451623.

ClinVar aggregate classification (germline): Uncertain significance (1 of 4 stars; one submission).

Conditions:
Autoimmune lymphoproliferative syndrome, type III caused by mutation in PRKCD. Identifiers: Orphanet 3261, Orphanet 664711, MedGen C3809928, MONDO:8000024, OMIM 615559.

Allele frequency attached by ClinVar (database versions not stated): gnomAD 0.00001 and 0.00002; gnomAD exomes 0.00001; ESP Exome Variant Server 0.00008; TOPMed below 0.00001; ExAC 0.00001.
gnomAD v4.1: 9 of 1,612,024 alleles (0.00056%); highest among the groups gnomAD compares: Admixed American, 0.005%; no homozygotes.

Submission:

Labcorp Genetics (formerly Invitae), Labcorp
Classification: Uncertain significance for Autoimmune lymphoproliferative syndrome, type III caused by mutation in PRKCD. Last evaluated: 2018-06-23. Review status: criteria provided, single submitter. Criteria: Invitae Variant Classification Sherloc (09022015). Collection method: clinical testing. Allele origin: germline.
Comment: In summary, the available evidence is currently insufficient to determine the role of this variant in disease. Therefore, it has been classified as a Variant of Uncertain Significance. Algorithms developed to predict the effect of missense changes on protein structure and function (SIFT, PolyPhen-2, Align-GVGD) all suggest that this variant is likely to be tolerated, but these predictions have not been confirmed by published functional studies and their clinical significance is uncertain. This variant has not been reported in the literature in individuals with PRKCD-related disease. This variant is present in population databases (rs368029897, ExAC 0.002%). This sequence change replaces alanine with threonine at codon 8 of the PRKCD protein (p.Ala8Thr). The alanine residue is weakly conserved and there is a small physicochemical difference between alanine and threonine.